The following is an entry in ClinVar:

NM_000334.4(SCN4A):c.2149G>A (p.Val717Met)

Genes: GH-LCR (growth hormone locus control region; plus strand), SCN4A (sodium voltage-gated channel alpha subunit 4; minus strand). Cytogenetic location: 17q23.3.
Variant type: single nucleotide variant.
Coding change: c.2149G>A on transcript NM_000334.4 (MANE Select); coding-DNA position 2149, G replaced by A.
Protein change: p.Val717Met; replaces valine 717 with methionine.
Molecular consequence: missense variant.
Genome position (GRCh38, 1-based): chr17:63,957,389, C>T on the plus strand (G>A on the coding strand, the complement: SCN4A is on the minus strand). VCF-style: chr17-63957389-C-T. GRCh37 (hg19) VCF-style: chr17-62034749-C-T.
Other names: short protein forms V717M.
Identifiers: ClinVar variation 935092 (VCV000935092.10), dbSNP rs770283788, ClinGen allele CA8709649.
Genomic context (GRCh38, chr17:63,957,389, plus strand): 5'-AGTCCAAGGCAATCTTGCACACGCACTCCTTGTAGCTCTTGCCAAACAGCTGCATGCCCA[C>T]CACGGCGAAGATGAACACGATGATAGCCAGCACCAGCGTCAGGTTACCCAGCGCCCCCAC-3'
Protein context (NP_000325.4, residues 707-727): LAIIVFIFAV[Val717Met]GMQLFGKSYK

ClinVar aggregate classification (germline): Uncertain significance. Review status: criteria provided, multiple submitters, no conflicts (2 of 4 stars). 3 submissions from 3 submitters: Uncertain significance (3). Last evaluated 2026-09-01.

Conditions:
Paramyotonia congenita of Von Eulenburg. Also called: PARALYSIS PERIODICA PARAMYOTONICA; Eulenburg disease; Myotonia congenita intermittens; Von Eulenburg paramyotonia congenita; Paramyotonia Congenita. Identifiers: Orphanet 684, MedGen C0221055, MONDO:0008195, OMIM 168300. Disease mechanism: loss of function.
Congenital myopathy 22A, classic (CMYO22A). Identifiers: MedGen C5830453, MONDO:0957247, OMIM 620351.
Congenital myopathy 22B, severe fetal (CMYO22B). Identifiers: MedGen C5830501, MONDO:0957265, OMIM 620369.
Congenital myasthenic syndrome 16. Identifiers: Orphanet 590, MedGen C3280112, MONDO:0013620, OMIM 614198.
Hypokalemic periodic paralysis, type 2 (HOKPP2). Identifiers: Orphanet 681, MedGen C2750061, MONDO:0013234, OMIM 613345.
Potassium-aggravated myotonia. Also called: Myotonia congenita, atypical, acetazolamide-responsive; MYOTONIA CONGENITA, ACETAZOLAMIDE-RESPONSIVE; MYOTONIA CONGENITA, ATYPICAL; SODIUM CHANNEL MUSCLE DISEASE. Identifiers: Orphanet 612, Orphanet 99734, Orphanet 99735, Orphanet 99736, MedGen C2931826, MONDO:0018959, OMIM 608390.
Hyperkalemic periodic paralysis. Also called: Gamstorp disease; Familial hyperkalemic periodic paralysis. Identifiers: Orphanet 682, MedGen C0238357, MONDO:0008224, OMIM 170500, HP:0007215.

Allele frequency attached by ClinVar (database versions not stated): TOPMed 0.00003; ExAC 0.00002; gnomAD exomes 0.00003.
gnomAD v4.1: 8 of 1,614,134 alleles (0.0005%); highest among the groups gnomAD compares: Admixed American, 0.013%; no homozygotes.

Submissions (3):

CeGaT Center for Human Genetics Tuebingen
Classification: Uncertain significance. Last evaluated: 2026-09-01. Review status: criteria provided, single submitter. Criteria: CeGaT Center For Human Genetics Tuebingen Variant Classification Criteria Version 2. Collection method: clinical testing. Allele origin: germline. Affected: yes. Observed: 1 variant allele.
Comment: SCN4A: PM2, PP3

Labcorp Genetics (formerly Invitae), Labcorp
Classification: Uncertain significance for Hyperkalemic periodic paralysis. Last evaluated: 2024-08-01. Review status: criteria provided, single submitter. Criteria: Invitae Variant Classification Sherloc (09022015). Collection method: clinical testing. Allele origin: germline.
Comment: This sequence change replaces valine, which is neutral and non-polar, with methionine, which is neutral and non-polar, at codon 717 of the SCN4A protein (p.Val717Met). This variant is present in population databases (rs770283788, gnomAD 0.02%). This variant has not been reported in the literature in individuals affected with SCN4A-related conditions. ClinVar contains an entry for this variant (Variation ID: 935092). Advanced modeling of protein sequence and biophysical properties (such as structural, functional, and spatial information, amino acid conservation, physicochemical variation, residue mobility, and thermodynamic stability) performed at Invitae indicates that this missense variant is not expected to disrupt SCN4A protein function with a negative predictive value of 80%. In summary, the available evidence is currently insufficient to determine the role of this variant in disease. Therefore, it has been classified as a Variant of Uncertain Significance.

Fulgent Genetics
Classification: Uncertain significance for Paramyotonia congenita of Von Eulenburg; Hyperkalemic periodic paralysis; Potassium-aggravated myotonia; Hypokalemic periodic paralysis, type 2; Congenital myasthenic syndrome 16; Congenital myopathy 22A, classic; Congenital myopathy 22B, severe fetal. Last evaluated: 2024-05-24. Review status: criteria provided, single submitter. Criteria: ACMG Guidelines, 2015. Collection method: clinical testing. Allele origin: germline.